The following is an entry in ClinVar:

NM_001371333.1(DIABLO):c.349T>C (p.Tyr117His)

Gene: DIABLO (diablo IAP-binding mitochondrial protein; minus strand). Cytogenetic location: 12q24.31.
Variant type: single nucleotide variant.
Coding change: c.349T>C on transcript NM_001371333.1 (MANE Select); coding-DNA position 349, T replaced by C.
Protein change: p.Tyr117His; replaces tyrosine 117 with histidine.
Molecular consequence: missense variant.
Genome position (GRCh38, 1-based): chr12:122,216,836, A>G on the plus strand (T>C on the coding strand, the complement: DIABLO is on the minus strand). VCF-style: chr12-122216836-A-G. GRCh37 (hg19) VCF-style: chr12-122701383-A-G.
Other names: c.58T>C, p.Tyr20His (NM_001278302.1); c.130T>C, p.Tyr44His (NM_001278303.1); c.190T>C, p.Tyr64His (NM_001278304.2, NM_138930.3); c.217T>C, p.Tyr73His (NM_001278342.1); c.349T>C, p.Tyr117His (NM_019887.6); short protein forms Y117H, Y64H, Y20H, Y44H, Y73H.
Identifiers: ClinVar variation 505114 (VCV000505114.6), dbSNP rs764412748, ClinGen allele CA6843933.
Genomic context (GRCh38, chr12:122,216,836, plus strand): 5'-TGATCACCTGCCACACTTCATCTTCCTCCTCTGAATTCATTTTCCCAAGTAAACTTGTAT[A>G]TTGTCGGTAAAGAGAAGTTAAGGTATAAACAGCCTACAAATAGAGAATGAACAAGTCTGA-3'
Protein context (NP_001358262.1, residues 107-127): VYTLTSLYRQ[Tyr117His]TSLLGKMNSE

ClinVar aggregate classification (germline): Uncertain significance. Review status: criteria provided, multiple submitters, no conflicts (2 of 4 stars). 2 submissions from 2 submitters: Uncertain significance (2). Last evaluated 2024-10-10.

Allele frequency attached by ClinVar (database versions not stated): TOPMed below 0.00001; gnomAD 0.00001; gnomAD exomes 0.00001 and 0.00002; ExAC 0.00002.
gnomAD v4.1: 27 of 1,614,010 alleles (0.0017%); highest among the groups gnomAD compares: Non-Finnish European, 0.0021%; no homozygotes.

Submissions (2):

Labcorp Genetics (formerly Invitae), Labcorp
Classification: Uncertain significance. Last evaluated: 2024-10-10. Review status: criteria provided, single submitter. Criteria: Invitae Variant Classification Sherloc (09022015). Collection method: clinical testing. Allele origin: germline.
Comment: This sequence change replaces tyrosine, which is neutral and polar, with histidine, which is basic and polar, at codon 117 of the DIABLO protein (p.Tyr117His). This variant is present in population databases (rs764412748, gnomAD 0.002%). This variant has not been reported in the literature in individuals affected with DIABLO-related conditions. ClinVar contains an entry for this variant (Variation ID: 505114). An algorithm developed to predict the effect of missense changes on protein structure and function (PolyPhen-2) suggests that this variant is likely to be disruptive. In summary, the available evidence is currently insufficient to determine the role of this variant in disease. Therefore, it has been classified as a Variant of Uncertain Significance.

Laboratory for Molecular Medicine, Mass General Brigham Personalized Medicine
Classification: Uncertain significance. Last evaluated: 2016-06-04. Review status: criteria provided, single submitter. Criteria: LMM Criteria. Collection method: clinical testing. Allele origin: germline. Observed: 1 variant allele.
Comment: The p.Tyr117His variant in DIABLO has not been previously reported in individual s with hearing loss, but has been identified in 2/66730 of European chromosomes by the Exome Aggregation Consortium (ExAC; dbSNP rs764412748). Computational prediction tools and conservation analysis sugges t that this variant may impact the protein, though this information is not predi ctive enough to determine pathogenicity. In summary, the clinical significance o f the p.Tyr117His variant is uncertain.